The following is an entry in ClinVar:

NM_000170.3(GLDC):c.1851-9C>G

Gene: GLDC (glycine decarboxylase; minus strand). Cytogenetic location: 9p24.1.
Variant type: single nucleotide variant.
Coding change: c.1851-9C>G on transcript NM_000170.3 (MANE Select); 9 bases into the intron before coding-DNA position 1851, C replaced by G.
Molecular consequence: intron variant.
Genome position (GRCh38, 1-based): chr9:6,565,438, G>C on the plus strand (C>G on the coding strand, the complement: GLDC is on the minus strand). VCF-style: chr9-6565438-G-C. GRCh37 (hg19) VCF-style: chr9-6565438-G-C.
Identifiers: ClinVar variation 707772 (VCV000707772.15), dbSNP rs377751310, ClinGen allele CA4980503.
Genomic context (GRCh38, chr9:6,565,438, plus strand): 5'-GTTTAAGTAGGCTCGGATAGTGGCCAGTCCAGCATATTCTCCCTGGGCTCCGCTTGCAAA[G>C]ACAAGAAGAAAGGGATCACGGTTAGGTCTTCTGGCTTTCATTTACTCATTCAATATTTAT-3'

ClinVar aggregate classification (germline): Conflicting classifications of pathogenicity. Review status: criteria provided, conflicting classifications (1 of 4 stars). 3 submissions from 3 submitters: Uncertain significance (1); Likely benign (2). Last evaluated 2025-11-12.

Conditions:
Glycine encephalopathy. Also called: Nonketotic hyperglycinemia; Non-ketotic hyperglycinemia. Identifiers: Orphanet 407, MedGen C0751748, MONDO:0011612, HP:0008288.

Allele frequency attached by ClinVar (database versions not stated): gnomAD exomes 0.00001 and 0.00002; ExAC 0.00002; gnomAD 0.00013; ESP Exome Variant Server 0.00015; TOPMed 0.00015.
gnomAD v4.1: 38 of 1,608,872 alleles (0.0024%); highest among the groups gnomAD compares: African/African-American, 0.047%; no homozygotes.

Submissions (3):

Labcorp Genetics (formerly Invitae), Labcorp
Classification: Likely benign for Glycine encephalopathy. Last evaluated: 2025-11-12. Review status: criteria provided, single submitter. Criteria: Invitae Variant Classification Sherloc (09022015). Collection method: clinical testing. Allele origin: germline.

Blueprint Genetics
Classification: Likely benign. Last evaluated: 2023-07-17. Review status: criteria provided, single submitter. Criteria: ACMG Guidelines, 2015. Collection method: clinical testing. Allele origin: germline.

GeneDx
Classification: Uncertain significance. Last evaluated: 2022-04-21. Review status: criteria provided, single submitter. Criteria: GeneDx Variant Classification Process June 2021. Collection method: clinical testing. Allele origin: germline. Affected: yes.
Comment: Has not been previously published as pathogenic or benign to our knowledge; In-silico analysis is inconclusive as to whether the variant alters gene splicing. In the absence of RNA/functional studies, the actual effect of this sequence change is unknown.